The following is an entry in ClinVar:

NM_000181.4(GUSB):c.210+5G>A

Gene: GUSB (glucuronidase beta; minus strand). Cytogenetic location: 7q11.21.
Variant type: single nucleotide variant.
Coding change: c.210+5G>A on transcript NM_000181.4 (MANE Select); 5 bases into the intron after coding-DNA position 210, G replaced by A.
Molecular consequence: intron variant.
Genome position (GRCh38, 1-based): chr7:65,981,969, C>T on the plus strand (G>A on the coding strand, the complement: GUSB is on the minus strand). VCF-style: chr7-65981969-C-T. GRCh37 (hg19) VCF-style: chr7-65446956-C-T.
Other names: c.-120+5G>A (NM_001293105.2); c.-176+5G>A (NM_001293104.2); c.210+5G>A (NM_001284290.2).
Identifiers: ClinVar variation 2110954 (VCV002110954.4), dbSNP rs1439749452, ClinGen allele CA575259322.
Genomic context (GRCh38, chr7:65,981,969, plus strand): 5'-CCCGGGCTCCCCTACTCCCACCGCCGGGCTTTCGGGCGCCTCCCGGCCCTGCCCCGAGAT[C>T]GCACCTCCCACAGCGGCCGCCGGTACCACTGCTCCTCGAAGCCCCGGCGTCGGTTGTCAG-3'

ClinVar aggregate classification (germline): Uncertain significance (1 of 4 stars; one submission).

Conditions:
Mucopolysaccharidosis type 7 (MPS7). Also called: BETA-GLUCURONIDASE DEFICIENCY; MPS VII; GUSB DEFICIENCY; SLY SYNDROME. Identifiers: Orphanet 584, MedGen C0085132, MONDO:0009662, OMIM 253220.

Submission:

Labcorp Genetics (formerly Invitae), Labcorp
Classification: Uncertain significance for Mucopolysaccharidosis type 7. Last evaluated: 2023-06-13. Review status: criteria provided, single submitter. Criteria: Invitae Variant Classification Sherloc (09022015). Collection method: clinical testing. Allele origin: germline.
Comment: This sequence change falls in intron 1 of the GUSB gene. It does not directly change the encoded amino acid sequence of the GUSB protein. It affects a nucleotide within the consensus splice site. The frequency data for this variant in the population databases is considered unreliable, as metrics indicate poor data quality at this position in the gnomAD database. This variant has not been reported in the literature in individuals affected with GUSB-related conditions. ClinVar contains an entry for this variant (Variation ID: 2110954). Variants that disrupt the consensus splice site are a relatively common cause of aberrant splicing (PMID: 17576681, 9536098). Algorithms developed to predict the effect of sequence changes on RNA splicing suggest that this variant may create or strengthen a splice site. In summary, the available evidence is currently insufficient to determine the role of this variant in disease. Therefore, it has been classified as a Variant of Uncertain Significance.

Literature cited by the submitters: PubMed 17576681; PubMed 9536098.